The following is an entry in ClinVar:

ClinVar aggregate classification (germline): Pathogenic (1 of 4 stars; one submission).

Conditions:
Bardet-Biedl syndrome 16 (BBS16). Identifiers: Orphanet 110, MedGen C3889474, MONDO:0014444, OMIM 615993.
Senior-Loken syndrome 7 (SLSN7). Identifiers: Orphanet 3156, MedGen C3150877, MONDO:0013326, OMIM 613615.

Submission:

Labcorp Genetics (formerly Invitae), Labcorp
Classification: Pathogenic for Bardet-Biedl syndrome 16; Senior-Loken syndrome 7. Last evaluated: 2022-09-13. Review status: criteria provided, single submitter. Criteria: Invitae Variant Classification Sherloc (09022015). Collection method: clinical testing. Allele origin: germline.
Comment: This variant has not been reported in the literature in individuals affected with SDCCAG8-related conditions. For these reasons, this variant has been classified as Pathogenic. This sequence change creates a premature translational stop signal (p.Ser28Alafs*5) in the SDCCAG8 gene. It is expected to result in an absent or disrupted protein product. Loss-of-function variants in SDCCAG8 are known to be pathogenic (PMID: 20835237, 22190896). This variant is not present in population databases (gnomAD no frequency).

Literature cited by the submitters: PubMed 20835237; PubMed 22190896.

NM_006642.5(SDCCAG8):c.82del (p.Ser28fs)

Gene: SDCCAG8 (SHH signaling and ciliogenesis regulator SDCCAG8; plus strand). Cytogenetic location: 1q43.
Variant type: Deletion.
Coding change: c.82del on transcript NM_006642.5 (MANE Select); coding-DNA position 82, one base deleted (A; older notation c.82delA).
Protein change: p.Ser28fs; shifts the reading frame from serine 28.
Molecular consequence: frameshift variant. On other transcripts: 5 prime UTR variant (4).
Genome position (GRCh38, 1-based): chr1:243,270,119, A deleted; the last of 2 consecutive A bases (chr1:243,270,118-243,270,119); deleting either gives the same sequence. VCF-style (leftmost placement, unchanged base first): chr1-243270117-GA-G. GRCh37 (hg19) VCF-style: chr1-243433419-GA-G.
Other names: c.-1031del (NM_001350246.2); c.-919del (NM_001350247.2); c.82del, p.Ser28fs (NM_001350248.2); c.-213del (NM_001350249.2); c.-1292del (NM_001350251.2); short protein forms S28fs.
Identifiers: ClinVar variation 2160069 (VCV002160069.4), dbSNP rs2547828052, ClinGen allele CA2520650982.
Genomic context (GRCh38, chr1:243,270,117, plus strand): 5'-GTCAACCAGACTCCATGGGTCCTAACTTTCGTCAGGTTGTTCTTGCAGAACATGCCAGCA[GA>G]AGCATTCACCAACTGACATGTGCCCTGAAAGAAGGCGATGTCACTATTGGAGAAGATGCA-3'